The following is an entry in ClinVar:

NM_001142864.4(PIEZO1):c.5790C>G (p.Phe1930Leu)

Gene: PIEZO1 (piezo type mechanosensitive ion channel component 1 (Er blood group); minus strand). Cytogenetic location: 16q24.3.
Variant type: single nucleotide variant.
Coding change: c.5790C>G on transcript NM_001142864.4 (MANE Select); coding-DNA position 5790, C replaced by G.
Protein change: p.Phe1930Leu; replaces phenylalanine 1930 with leucine.
Molecular consequence: missense variant.
Genome position (GRCh38, 1-based): chr16:88,720,627, G>C on the plus strand (C>G on the coding strand, the complement: PIEZO1 is on the minus strand). VCF-style: chr16-88720627-G-C. GRCh37 (hg19) VCF-style: chr16-88787035-G-C.
Other names: c.5790C>G (NM_001142864.3); short protein forms F1930L.
Identifiers: ClinVar variation 1033325 (VCV001033325.22), dbSNP rs750027720, ClinGen allele CA8231783.

ClinVar aggregate classification (germline): Conflicting classifications of pathogenicity. Review status: criteria provided, conflicting classifications (1 of 4 stars). 8 submissions from 8 submitters: Uncertain significance (5); Likely benign (2). 1 of the submissions does not count toward it. Last evaluated 2026-06-01.

Conditions:
Inborn genetic diseases. Identifiers: MedGen C0950123, MeSH D030342.
PIEZO1-related disorder. Also called: PIEZO1-related condition; PIEZO1-Related Disorders.
Dehydrated hereditary stomatocytosis with or without pseudohyperkalemia and/or perinatal edema (DHS1). Also called: PSEUDOHYPERKALEMIA EDINBURGH; Dehydrated hereditary stomatocytosis 1 with or without pseudohyperkalemia and/or perinatal edema; DEHYDRATED HEREDITARY STOMATOCYTOSIS AND PSEUDOHYPERKALEMIA; DEHYDRATED HEREDITARY STOMATOCYTOSIS WITH PSEUDOHYPERKALEMIA AND PERINATAL EDEMA; Pseudohyperkalemia, familial, 1, due to red cell leak. Identifiers: Orphanet 3202, MedGen C4551512, MONDO:0008689, OMIM 194380.

Allele frequency attached by ClinVar (database versions not stated): ExAC 0.00006; gnomAD exomes 0.00007 and 0.00049; gnomAD 0.00009; TOPMed 0.00019.
gnomAD v4.1: 104 of 1,545,452 alleles (0.0067%); highest among the groups gnomAD compares: Admixed American, 0.2%; no homozygotes.

Submissions (8):

CeGaT Center for Human Genetics Tuebingen
Classification: Uncertain significance. Last evaluated: 2026-06-01. Review status: criteria provided, single submitter. Criteria: CeGaT Center For Human Genetics Tuebingen Variant Classification Criteria Version 2. Collection method: clinical testing. Allele origin: germline. Affected: yes. Observed: 1 variant allele.
Comment: PIEZO1: PM2

ARUP Laboratories, Molecular Genetics and Genomics, ARUP Laboratories
Classification: Likely benign. Last evaluated: 2024-12-03. Review status: criteria provided, single submitter. Criteria: ARUP Molecular Germline Variant Investigation Process 2024. Collection method: clinical testing. Allele origin: germline.

Labcorp Genetics (formerly Invitae), Labcorp
Classification: Likely benign. Last evaluated: 2024-08-31. Review status: criteria provided, single submitter. Criteria: Invitae Variant Classification Sherloc (09022015). Collection method: clinical testing. Allele origin: germline.

Ambry Genetics
Classification: Uncertain significance for Inborn genetic diseases. Last evaluated: 2022-12-21. Review status: criteria provided, single submitter. Criteria: Ambry Variant Classification Scheme 2023. Collection method: clinical testing. Allele origin: germline.

GeneDx
Classification: Uncertain significance. Last evaluated: 2021-10-07. Review status: criteria provided, single submitter. Criteria: GeneDx Variant Classification Process June 2021. Collection method: clinical testing. Allele origin: germline. Affected: yes.
Comment: In silico analysis supports that this missense variant has a deleterious effect on protein structure/function; Has not been previously published as pathogenic or benign to our knowledge

Mayo Clinic Laboratories, Mayo Clinic
Classification: Uncertain significance. Last evaluated: 2020-02-01. Review status: criteria provided, single submitter. Criteria: ACMG Guidelines, 2015. Collection method: clinical testing. Allele origin: germline. Observed: 1 variant allele.

Baylor Genetics
Classification: Uncertain significance for Dehydrated hereditary stomatocytosis with or without pseudohyperkalemia and/or perinatal edema. Last evaluated: 2018-06-14. Review status: criteria provided, single submitter. Criteria: ACMG Guidelines, 2015. Collection method: clinical testing. Allele origin: maternal. Affected: yes.
Comment: This variant was determined to be of uncertain significance according to ACMG Guidelines, 2015 [PMID:25741868].

PreventionGenetics, part of Exact Sciences
Classification: Likely benign for PIEZO1-related condition. Last evaluated: 2022-06-29. Review status: no assertion criteria provided. Collection method: clinical testing. Allele origin: germline. Not counted in ClinVar's aggregate classification.
Comment: This variant is classified as likely benign based on ACMG/AMP sequence variant interpretation guidelines (Richards et al. 2015 PMID: 25741868, with internal and published modifications).